The following is an entry in ClinVar:

NM_002292.4(LAMB2):c.4296T>C (p.Asp1432=)

Gene: LAMB2 (laminin subunit beta 2; minus strand). Cytogenetic location: 3p21.31.
Variant type: single nucleotide variant.
Coding change: c.4296T>C on transcript NM_002292.4 (MANE Select); coding-DNA position 4296, T replaced by C.
Protein change: p.Asp1432=; no amino-acid change (aspartic acid 1432 retained).
Molecular consequence: synonymous variant.
Genome position (GRCh38, 1-based): chr3:49,122,981, A>G on the plus strand (T>C on the coding strand, the complement: LAMB2 is on the minus strand). VCF-style: chr3-49122981-A-G. GRCh37 (hg19) VCF-style: chr3-49160414-A-G.
Identifiers: ClinVar variation 3045831 (VCV003045831.2), dbSNP rs1575531288, ClinGen allele CA433633927.

ClinVar aggregate classification (germline): Likely benign (0 of 4 stars; one submission).

Conditions:
LAMB2-related disorder. Also called: LAMB2-related condition.

Submission:

PreventionGenetics, part of Exact Sciences
Classification: Likely benign for LAMB2-related condition. Last evaluated: 2023-03-22. Review status: no assertion criteria provided. Collection method: clinical testing. Allele origin: germline.
Comment: This variant is classified as likely benign based on ACMG/AMP sequence variant interpretation guidelines (Richards et al. 2015 PMID: 25741868, with internal and published modifications).